The following is an entry in ClinVar:

NM_001042492.3(NF1):c.1439A>C (p.Lys480Thr)

Gene: NF1 (neurofibromin 1; plus strand). Cytogenetic location: 17q11.2.
Variant type: single nucleotide variant.
Coding change: c.1439A>C on transcript NM_001042492.3 (MANE Select); coding-DNA position 1439, A replaced by C.
Protein change: p.Lys480Thr; replaces lysine 480 with threonine.
Molecular consequence: missense variant.
Genome position (GRCh38, 1-based): chr17:31,214,497, A>C. VCF-style: chr17-31214497-A-C. GRCh37 (hg19) VCF-style: chr17-29541515-A-C.
Other names: c.1439A>C, p.Lys480Thr (NM_000267.4, NM_001128147.3); short protein forms K480T.
Identifiers: ClinVar variation 141348 (VCV000141348.3), dbSNP rs587781675, ClinGen allele CA165171.

ClinVar aggregate classification (germline): Uncertain significance (1 of 4 stars; one submission).

Conditions:
Hereditary cancer-predisposing syndrome. Also called: Neoplastic Syndromes, Hereditary; Tumor predisposition; Hereditary Cancer Syndrome; Hereditary neoplastic syndrome. Identifiers: Orphanet 140162, MedGen C0027672, MeSH D009386, MONDO:0015356.

Submission:

Ambry Genetics
Classification: Uncertain significance for Hereditary cancer-predisposing syndrome. Last evaluated: 2014-04-11. Review status: criteria provided, single submitter. Criteria: Ambry Autosomal Dominant and X-Linked criteria (10/2015). Collection method: clinical testing. Allele origin: germline. Observed: 1 variant allele.
Comment: The p.K480T variant (also known as c.1439A>C), located in coding exon 13 of the NF1 gene, results from an A to C substitution at nucleotide position 1439. The lysine at codon 480 is replaced by threonine, an amino acid with a few similar properties. This variant was not reported in population based cohorts in the following databases: Database of Single Nucleotide Polymorphisms (dbSNP), NHLBI Exome Sequencing Project (ESP), and 1000 Genomes Project. To date, this alteration has been detected with an allele frequency of approximately 0.02% (greater than 5000 alleles tested) in our clinical cohort (includes this individual). This amino acid position is highly conserved in available vertebrate species. In addition, this alteration is predicted to be benign and deleterious by PolyPhen and SIFT in silico analyses, respectively. Since supporting evidence is limited at this time, the clinical significance of p.K480T remains unclear.